The following is an entry in ClinVar:

NM_022124.6(CDH23):c.5774C>G (p.Thr1925Ser)

Gene: CDH23 (cadherin related 23; plus strand). Cytogenetic location: 10q22.1.
Variant type: single nucleotide variant.
Coding change: c.5774C>G on transcript NM_022124.6 (MANE Select); coding-DNA position 5774, C replaced by G.
Protein change: p.Thr1925Ser; replaces threonine 1925 with serine.
Molecular consequence: missense variant.
Genome position (GRCh38, 1-based): chr10:71,785,692, C>G. VCF-style: chr10-71785692-C-G. GRCh37 (hg19) VCF-style: chr10-73545449-C-G.
Other names: short protein forms T1925S.
Identifiers: ClinVar variation 1460858 (VCV001460858.3), dbSNP rs767901553, ClinGen allele CA5545872.
Genomic context (GRCh38, chr10:71,785,692, plus strand): 5'-CAGGGATCGTCACTGTGAACCGGCCCCTGGACCGCGAGCGGATCCCAGAGTACAAGCTGA[C>G]CATTTCTGTGAAGGACAACCCGGAGAATCCACGCATAGCCAGGAGGGTGAGACTGGAGGG-3'
Protein context (NP_071407.4, residues 1915-1935): DRERIPEYKL[Thr1925Ser]ISVKDNPENP

ClinVar aggregate classification (germline): Uncertain significance (1 of 4 stars; one submission).

gnomAD v4.1: 2 of 1,608,968 alleles (0.00012%); highest among the groups gnomAD compares: Admixed American, 0.0017%; no homozygotes.

Submission:

Labcorp Genetics (formerly Invitae), Labcorp
Classification: Uncertain significance. Last evaluated: 2022-08-23. Review status: criteria provided, single submitter. Criteria: Invitae Variant Classification Sherloc (09022015). Collection method: clinical testing. Allele origin: germline.
Comment: This sequence change replaces threonine, which is neutral and polar, with serine, which is neutral and polar, at codon 1925 of the CDH23 protein (p.Thr1925Ser). This variant is present in population databases (rs767901553, gnomAD 0.003%). This variant has not been reported in the literature in individuals affected with CDH23-related conditions. ClinVar contains an entry for this variant (Variation ID: 1460858). Algorithms developed to predict the effect of missense changes on protein structure and function are either unavailable or do not agree on the potential impact of this missense change (SIFT: "Deleterious"; PolyPhen-2: "Not Available"; Align-GVGD: "Class C55"). In summary, the available evidence is currently insufficient to determine the role of this variant in disease. Therefore, it has been classified as a Variant of Uncertain Significance.